The following is an entry in ClinVar:

ClinVar aggregate classification (germline): Uncertain significance. Review status: criteria provided, multiple submitters, no conflicts (2 of 4 stars). 2 submissions from 2 submitters: Uncertain significance (2). Last evaluated 2025-04-17.

Conditions:
Hereditary cancer-predisposing syndrome. Also called: Tumor predisposition; Neoplastic Syndromes, Hereditary; Hereditary neoplastic syndrome; Hereditary Cancer Syndrome. Identifiers: Orphanet 140162, MedGen C0027672, MeSH D009386, MONDO:0015356.
Ataxia-telangiectasia syndrome (AT). Also called: Ataxia-telangiectasia, complementation group D; AT, COMPLEMENTATION GROUP C; ATAXIA-TELANGIECTASIA, COMPLEMENTATION GROUP A; ATAXIA-TELANGIECTASIA, FRESNO VARIANT; Ataxia-telangiectasia; Ataxia telangiectasia (A-T). Identifiers: Orphanet 100, MedGen C0004135, MONDO:0008840, OMIM 208900.

Submissions (2):

Ambry Genetics
Classification: Uncertain significance for Hereditary cancer-predisposing syndrome. Last evaluated: 2025-04-17. Review status: criteria provided, single submitter. Criteria: Ambry Variant Classification Scheme 2023. Collection method: clinical testing. Allele origin: germline.
Comment: The p.F3049L variant (also known as c.9147C>A), located in coding exon 62 of the ATM gene, results from a C to A substitution at nucleotide position 9147. The phenylalanine at codon 3049 is replaced by leucine, an amino acid with highly similar properties. This amino acid position is conserved. In addition, this alteration is predicted to be deleterious by in silico analysis. Based on the available evidence, the clinical significance of this variant remains unclear.

Labcorp Genetics (formerly Invitae), Labcorp
Classification: Uncertain significance for Ataxia-telangiectasia syndrome. Last evaluated: 2022-03-26. Review status: criteria provided, single submitter. Criteria: Invitae Variant Classification Sherloc (09022015). Collection method: clinical testing. Allele origin: germline.
Comment: This sequence change replaces phenylalanine, which is neutral and non-polar, with leucine, which is neutral and non-polar, at codon 3049 of the ATM protein (p.Phe3049Leu). This variant is not present in population databases (gnomAD no frequency). In summary, the available evidence is currently insufficient to determine the role of this variant in disease. Therefore, it has been classified as a Variant of Uncertain Significance. Advanced modeling of protein sequence and biophysical properties (such as structural, functional, and spatial information, amino acid conservation, physicochemical variation, residue mobility, and thermodynamic stability) performed at Invitae indicates that this missense variant is expected to disrupt ATM protein function. ClinVar contains an entry for this variant (Variation ID: 940747). This variant has not been reported in the literature in individuals affected with ATM-related conditions.

NM_000051.4(ATM):c.9147C>A (p.Phe3049Leu)

Genes: ATM (ATM serine/threonine kinase; plus strand), C11orf65 (chromosome 11 open reading frame 65; minus strand). Cytogenetic location: 11q22.3.
Variant type: single nucleotide variant.
Coding change: c.9147C>A on transcript NM_000051.4 (MANE Select); coding-DNA position 9147, C replaced by A.
Protein change: p.Phe3049Leu; replaces phenylalanine 3049 with leucine.
Molecular consequence: missense variant. On other transcripts: intron variant (2).
Genome position (GRCh38, 1-based): chr11:108,365,484, C>A. VCF-style: chr11-108365484-C-A. GRCh37 (hg19) VCF-style: chr11-108236211-C-A.
Other names: c.9147C>A, p.Phe3049Leu (NM_001351834.2); c.640+20436G>T (NM_001330368.2); c.694+20436G>T (NM_001351110.2); short protein forms F3049L.
Identifiers: ClinVar variation 940747 (VCV000940747.11), dbSNP rs2091258043, ClinGen allele CA382532131.